The following is an entry in ClinVar:

ClinVar aggregate classification (germline): Likely benign. Review status: criteria provided, multiple submitters, no conflicts (2 of 4 stars). 3 submissions from 3 submitters: Likely benign (3). Last evaluated 2024-09-14.

Allele frequency attached by ClinVar (database versions not stated): gnomAD exomes 0.00001; TOPMed 0.00001; ExAC 0.00002; gnomAD 0.00003; 1000 Genomes Project 0.00020; 1000 Genomes Project 30x 0.00031.
gnomAD v4.1: 29 of 1,595,080 alleles (0.0018%); highest among the groups gnomAD compares: Middle Eastern, 0.085%; no homozygotes.

Submissions (3):

Labcorp Genetics (formerly Invitae), Labcorp
Classification: Likely benign. Last evaluated: 2024-09-14. Review status: criteria provided, single submitter. Criteria: Invitae Variant Classification Sherloc (09022015). Collection method: clinical testing. Allele origin: germline.

Women's Health and Genetics/Laboratory Corporation of America, LabCorp
Classification: Likely benign. Last evaluated: 2023-11-07. Review status: criteria provided, single submitter. Criteria: LabCorp Variant Classification Summary - May 2015. Collection method: clinical testing. Allele origin: germline.
Comment: Variant summary: COL11A1 c.2394+12G>T alters a non-conserved nucleotide located at a position not widely known to affect splicing. Consensus agreement among computation tools predict no significant impact on normal splicing. However, these predictions have yet to be confirmed by functional studies. The variant allele was found at a frequency of 1.2e-05 in 250648 control chromosomes. The available data on variant occurrences in the general population are insufficient to allow any conclusion about variant significance. To our knowledge, no occurrence of c.2394+12G>T in individuals affected with Stickler Syndrome and no experimental evidence demonstrating its impact on protein function have been reported. One submitter has cited clinical-significance assessments for this variant to ClinVar after 2014 and has classified the variant as likely benign. Based on the evidence outlined above, the variant was classified as likely benign.

Blueprint Genetics
Classification: Likely benign. Last evaluated: 2023-08-10. Review status: criteria provided, single submitter. Criteria: ACMG Guidelines, 2015. Collection method: clinical testing. Allele origin: germline.

NM_001854.4(COL11A1):c.2394+12G>T

Gene: COL11A1 (collagen type XI alpha 1 chain; minus strand). Cytogenetic location: 1p21.1.
Variant type: single nucleotide variant.
Coding change: c.2394+12G>T on transcript NM_001854.4 (MANE Select); 12 bases into the intron after coding-DNA position 2394, G replaced by T.
Molecular consequence: intron variant.
Genome position (GRCh38, 1-based): chr1:102,989,506, C>A on the plus strand (G>T on the coding strand, the complement: COL11A1 is on the minus strand). VCF-style: chr1-102989506-C-A. GRCh37 (hg19) VCF-style: chr1-103455062-C-A.
Other names: c.2277+12G>T (NM_001190709.2); c.2430+12G>T (NM_080629.3); c.2046+12G>T (NM_080630.4).
Identifiers: ClinVar variation 2420808 (VCV002420808.8), dbSNP rs140788009, ClinGen allele CA974456.
Genomic context (GRCh38, chr1:102,989,506, plus strand): 5'-AAGATAAGCAAAGGAAAAAATATATATATATATTAAATTTTGTGTACTGGTGTACATTTT[C>A]TCTATACTTACTCTGTCACCTTTTAGACCCATGTCACCTTTGAATCCTGGAAAACCATCT-3'